The following is an entry in ClinVar:

NM_015102.5(NPHP4):c.280-1G>C

Gene: NPHP4 (nephrocystin 4; minus strand). Cytogenetic location: 1p36.31.
Variant type: single nucleotide variant.
Coding change: c.280-1G>C on transcript NM_015102.5 (MANE Select); the canonical splice acceptor site of the intron before coding-DNA position 280, G replaced by C.
Molecular consequence: splice acceptor variant.
Genome position (GRCh38, 1-based): chr1:5,969,260, C>G on the plus strand (G>C on the coding strand, the complement: NPHP4 is on the minus strand). VCF-style: chr1-5969260-C-G. GRCh37 (hg19) VCF-style: chr1-6029320-C-G.
Other names: c.-1087-1G>C (NM_001291594.2); c.-950-1G>C (NM_001291593.2).
Identifiers: ClinVar variation 848552 (VCV000848552.8), dbSNP rs1652115764, ClinGen allele CA338050650.

ClinVar aggregate classification (germline): Likely pathogenic (1 of 4 stars; one submission).

Conditions:
Nephronophthisis. Also called: Juvenile Nephronophthisis. Identifiers: Orphanet 655, MedGen C0687120, MONDO:0019005, HP:0000090.

Submission:

Labcorp Genetics (formerly Invitae), Labcorp
Classification: Likely pathogenic for Nephronophthisis. Last evaluated: 2020-01-13. Review status: criteria provided, single submitter. Criteria: Invitae Variant Classification Sherloc (09022015). Collection method: clinical testing. Allele origin: germline.
Comment: In summary, the currently available evidence indicates that the variant is pathogenic, but additional data are needed to prove that conclusively. Therefore, this variant has been classified as Likely Pathogenic. Donor and acceptor splice site variants typically lead to a loss of protein function (PMID: 16199547), and loss-of-function variants in NPHP4 are known to be pathogenic (PMID: 12205563, 23559409). This variant has not been reported in the literature in individuals with NPHP4-related conditions. This variant is not present in population databases (ExAC no frequency). This sequence change affects an acceptor splice site in intron 3 of the NPHP4 gene. It is expected to disrupt RNA splicing and likely results in an absent or disrupted protein product.

Literature cited by the submitters: PubMed 16199547; PubMed 12205563; PubMed 23559409.